The following is an entry in ClinVar:

NC_000016.10:g.8975269C>T

Gene: USP7 (ubiquitin specific peptidase 7; minus strand). Cytogenetic location: 16p13.2.
Variant type: single nucleotide variant.
Genome position: GRCh38 VCF-style: chr16-8975269-C-T. GRCh37 (hg19) VCF-style: chr16-9069126-C-T.
Identifiers: ClinVar variation 4533682 (VCV004533682.6).
Genomic context (GRCh38, chr16:8,975,269, plus strand): 5'-TTTGCGCCTCTGGCTACGCTTGAAGCTTGGCTCACGCCTCGATTTCCGAATTGGTCTTAA[C>T]GGCGGCATGGGGAATCTCCGGAAAGCAAGCTCTCTGGGGCCTTCCTGAGCTTTCTGAGCC-3'

ClinVar aggregate classification (germline): Likely benign (1 of 4 stars; one submission).

Submission:

CeGaT Center for Human Genetics Tuebingen
Classification: Likely benign. Last evaluated: 2025-10-01. Review status: criteria provided, single submitter. Criteria: CeGaT Center For Human Genetics Tuebingen Variant Classification Criteria Version 2. Collection method: clinical testing. Allele origin: germline. Affected: yes. Observed: 1 variant allele.
Comment: USP7: BP4, BP7